The following is an entry in ClinVar:

NM_001195.5(BFSP1):c.804C>T (p.Asn268=)

Gene: BFSP1 (beaded filament structural protein 1; minus strand). Cytogenetic location: 20p12.1.
Variant type: single nucleotide variant.
Coding change: c.804C>T on transcript NM_001195.5 (MANE Select); coding-DNA position 804, C replaced by T.
Protein change: p.Asn268=; no amino-acid change (asparagine 268 retained).
Molecular consequence: synonymous variant.
Genome position (GRCh38, 1-based): chr20:17,498,972, G>A on the plus strand (C>T on the coding strand, the complement: BFSP1 is on the minus strand). VCF-style: chr20-17498972-G-A. GRCh37 (hg19) VCF-style: chr20-17479617-G-A.
Other names: c.429C>T, p.Asn143= (NM_001161705.2); c.387C>T, p.Asn129= (NM_001278606.2, NM_001278608.2); c.471C>T, p.Asn157= (NM_001278607.2).
Identifiers: ClinVar variation 257617 (VCV000257617.12), dbSNP rs11537702, ClinGen allele CA9772201.

ClinVar aggregate classification (germline): Benign. Review status: criteria provided, multiple submitters, no conflicts (2 of 4 stars). 4 submissions from 4 submitters: Benign (4). Last evaluated 2026-01-22.

Conditions:
Cataract 33. Also called: CATARACT 33, CORTICAL. Identifiers: Orphanet 91492, MedGen C3808107, MONDO:0012665, OMIM 611391.

Allele frequency attached by ClinVar (database versions not stated): 1000 Genomes Project 0.02256; 1000 Genomes Project 30x 0.02264; TOPMed 0.04535; gnomAD 0.05248 and 0.05390; gnomAD exomes 0.05512 and 0.07328; ExAC 0.05640; ESP Exome Variant Server 0.05682.
gnomAD v4.1: 114,450 of 1,614,044 alleles (7.1%); highest among the groups gnomAD compares: Non-Finnish European, 8.3%; 4,766 homozygotes.

Submissions (4):

Labcorp Genetics (formerly Invitae), Labcorp
Classification: Benign for Cataract 33. Last evaluated: 2026-01-22. Review status: criteria provided, single submitter. Criteria: Invitae Variant Classification Sherloc (09022015). Collection method: clinical testing. Allele origin: germline.

GeneDx
Classification: Benign. Last evaluated: 2018-04-12. Review status: criteria provided, single submitter. Criteria: GeneDx Variant Classification (06012015). Collection method: clinical testing. Allele origin: germline. Affected: yes.
Comment: This variant is considered likely benign or benign based on one or more of the following criteria: it is a conservative change, it occurs at a poorly conserved position in the protein, it is predicted to be benign by multiple in silico algorithms, and/or has population frequency not consistent with disease.

Breakthrough Genomics
Classification: Benign. Review status: criteria provided, single submitter. Criteria: ACMG Guidelines, 2015. Collection method: not provided. Allele origin: germline. Inheritance: Autosomal recessive inheritance. Affected: yes.

PreventionGenetics, part of Exact Sciences
Classification: Benign. Review status: criteria provided, single submitter. Criteria: ACMG Guidelines, 2015. Collection method: clinical testing. Allele origin: germline.